The following is an entry in ClinVar:

ClinVar aggregate classification (germline): Benign. Review status: criteria provided, multiple submitters, no conflicts (2 of 4 stars). 3 submissions from 3 submitters: Benign (2). 1 of the submissions does not count toward it. Last evaluated 2017-08-03.

Conditions:
CLMN-related disorder. Also called: CLMN-related condition.

Allele frequency attached by ClinVar (database versions not stated): gnomAD exomes 0.00099 and 0.00029; gnomAD 0.00360 and 0.00339; ExAC 0.00123; 1000 Genomes Project 0.00499; TOPMed 0.00399; 1000 Genomes Project 30x 0.00547; ESP Exome Variant Server 0.00431.

Submissions (3):

Labcorp Genetics (formerly Invitae), Labcorp
Classification: Benign. Last evaluated: 2017-08-03. Review status: criteria provided, single submitter. Criteria: Invitae Variant Classification Sherloc (09022015). Collection method: clinical testing. Allele origin: germline.

Breakthrough Genomics
Classification: Benign. Review status: criteria provided, single submitter. Criteria: ACMG Guidelines, 2015. Collection method: not provided. Allele origin: germline. Inheritance: Unknown mechanism. Affected: yes.

PreventionGenetics, part of Exact Sciences
Classification: Benign for CLMN-related condition. Last evaluated: 2019-11-06. Review status: no assertion criteria provided. Collection method: clinical testing. Allele origin: germline. Not counted in ClinVar's aggregate classification.
Comment: This variant is classified as benign based on ACMG/AMP sequence variant interpretation guidelines (Richards et al. 2015 PMID: 25741868, with internal and published modifications).

NM_024734.4(CLMN):c.333G>T (p.Leu111=)

Gene: CLMN (calmin; minus strand). Cytogenetic location: 14q32.13.
Variant type: single nucleotide variant.
Coding change: c.333G>T on transcript NM_024734.4 (MANE Select); coding-DNA position 333, G replaced by T.
Protein change: p.Leu111=; no amino-acid change (leucine 111 retained).
Molecular consequence: synonymous variant.
Genome position (GRCh38, 1-based): chr14:95,215,725, C>A on the plus strand (G>T on the coding strand, the complement: CLMN is on the minus strand). VCF-style: chr14-95215725-C-A. GRCh37 (hg19) VCF-style: chr14-95682062-C-A.
Identifiers: ClinVar variation 779739 (VCV000779739.6), dbSNP rs142235299, ClinGen allele CA7332474.